The following is an entry in ClinVar:

ClinVar aggregate classification (germline): Benign. Review status: criteria provided, multiple submitters, no conflicts (2 of 4 stars). 2 submissions from 2 submitters: Benign (2). Last evaluated 2018-06-14.

Allele frequency attached by ClinVar (database versions not stated): gnomAD 0.33281 and 0.32112; 1000 Genomes Project 30x 0.39241; 1000 Genomes Project 0.40335; TOPMed 0.32388.
gnomAD v4.1: 50,523 of 152,212 alleles (33%); highest among the groups gnomAD compares: East Asian, 59%; 8,894 homozygotes.

Submissions (2):

GeneDx
Classification: Benign. Last evaluated: 2018-06-14. Review status: criteria provided, single submitter. Criteria: GeneDx Variant Classification (06012015). Collection method: clinical testing. Allele origin: germline. Affected: yes.
Comment: This variant is considered likely benign or benign based on one or more of the following criteria: it is a conservative change, it occurs at a poorly conserved position in the protein, it is predicted to be benign by multiple in silico algorithms, and/or has population frequency not consistent with disease.

Breakthrough Genomics
Classification: Benign. Review status: criteria provided, single submitter. Criteria: ACMG Guidelines, 2015. Collection method: not provided. Allele origin: germline. Inheritance: Autosomal recessive inheritance. Affected: yes.

NM_014251.3(SLC25A13):c.933+162G>A

Gene: SLC25A13 (solute carrier family 25 member 13; minus strand). Cytogenetic location: 7q21.3.
Variant type: single nucleotide variant.
Coding change: c.933+162G>A on transcript NM_014251.3 (MANE Select); 162 bases into the intron after coding-DNA position 933, G replaced by A.
Molecular consequence: intron variant.
Genome position (GRCh38, 1-based): chr7:96,189,132, C>T on the plus strand (G>A on the coding strand, the complement: SLC25A13 is on the minus strand). VCF-style: chr7-96189132-C-T. GRCh37 (hg19) VCF-style: chr7-95818444-C-T.
Other names: c.933+162G>A (NM_001160210.2).
Identifiers: ClinVar variation 671544 (VCV000671544.2), dbSNP rs2073976, ClinGen allele CA12515341.